The following is an entry in ClinVar:

ClinVar aggregate classification (germline): Uncertain significance (1 of 4 stars; one submission).

Allele frequency attached by ClinVar (database versions not stated): TOPMed 0.00001; ExAC 0.00002; gnomAD exomes 0.00002; ESP Exome Variant Server 0.00008.
gnomAD v4.1: 22 of 1,613,380 alleles (0.0014%); highest among the groups gnomAD compares: Middle Eastern, 0.049%; no homozygotes.

Submission:

Labcorp Genetics (formerly Invitae), Labcorp
Classification: Uncertain significance. Last evaluated: 2022-09-13. Review status: criteria provided, single submitter. Criteria: Invitae Variant Classification Sherloc (09022015). Collection method: clinical testing. Allele origin: germline.
Comment: In summary, the available evidence is currently insufficient to determine the role of this variant in disease. Therefore, it has been classified as a Variant of Uncertain Significance. Advanced modeling of protein sequence and biophysical properties (such as structural, functional, and spatial information, amino acid conservation, physicochemical variation, residue mobility, and thermodynamic stability) performed at Invitae indicates that this missense variant is not expected to disrupt DNAJB13 protein function. ClinVar contains an entry for this variant (Variation ID: 1445782). This variant has not been reported in the literature in individuals affected with DNAJB13-related conditions. This variant is present in population databases (rs376516482, gnomAD 0.007%). This sequence change replaces arginine, which is basic and polar, with histidine, which is basic and polar, at codon 193 of the DNAJB13 protein (p.Arg193His).

NM_153614.4(DNAJB13):c.578G>A (p.Arg193His)

Gene: DNAJB13 (DnaJ heat shock protein family (Hsp40) member B13; plus strand). Cytogenetic location: 11q13.4.
Variant type: single nucleotide variant.
Coding change: c.578G>A on transcript NM_153614.4 (MANE Select); coding-DNA position 578, G replaced by A.
Protein change: p.Arg193His; replaces arginine 193 with histidine.
Molecular consequence: missense variant.
Genome position (GRCh38, 1-based): chr11:73,966,223, G>A. VCF-style: chr11-73966223-G-A. GRCh37 (hg19) VCF-style: chr11-73677268-G-A.
Other names: c.404G>A, p.Arg135His (NM_001377263.1); short protein forms R135H, R193H.
Identifiers: ClinVar variation 1445782 (VCV001445782.6), dbSNP rs376516482, ClinGen allele CA6180802.